The following is an entry in ClinVar:

ClinVar aggregate classification (germline): Uncertain significance. Review status: criteria provided, multiple submitters, no conflicts (2 of 4 stars). 3 submissions from 3 submitters: Uncertain significance (3). Last evaluated 2025-06-12.

Conditions:
Inborn genetic diseases. Identifiers: MedGen C0950123, MeSH D030342.
Bethlem myopathy 1A. Also called: MYOPATHY, BENIGN CONGENITAL, WITH CONTRACTURES; Bethlem myopathy 1; Bethlem Muscular Dystrophy. Identifiers: Orphanet 610, MedGen CN029274, MONDO:0024530, OMIM 158810.

Allele frequency attached by ClinVar (database versions not stated): TOPMed 0.00001.

Submissions (3):

Ambry Genetics
Classification: Uncertain significance for Inborn genetic diseases. Last evaluated: 2025-06-12. Review status: criteria provided, single submitter. Criteria: Ambry Variant Classification Scheme 2023. Collection method: clinical testing. Allele origin: germline.

Labcorp Genetics (formerly Invitae), Labcorp
Classification: Uncertain significance for Bethlem myopathy 1A. Last evaluated: 2023-08-05. Review status: criteria provided, single submitter. Criteria: Invitae Variant Classification Sherloc (09022015). Collection method: clinical testing. Allele origin: germline.
Comment: In summary, the available evidence is currently insufficient to determine the role of this variant in disease. Therefore, it has been classified as a Variant of Uncertain Significance. This sequence change replaces arginine, which is basic and polar, with tryptophan, which is neutral and slightly polar, at codon 202 of the COL6A2 protein (p.Arg202Trp). The frequency data for this variant in the population databases is considered unreliable, as metrics indicate poor data quality at this position in the gnomAD database. This variant has not been reported in the literature in individuals affected with COL6A2-related conditions. ClinVar contains an entry for this variant (Variation ID: 1988483). Advanced modeling of protein sequence and biophysical properties (such as structural, functional, and spatial information, amino acid conservation, physicochemical variation, residue mobility, and thermodynamic stability) performed at Invitae indicates that this missense variant is expected to disrupt COL6A2 protein function.

Blueprint Genetics
Classification: Uncertain significance. Last evaluated: 2021-03-30. Review status: criteria provided, single submitter. Criteria: ACMG Guidelines, 2015. Collection method: clinical testing. Allele origin: germline.

NM_001849.4(COL6A2):c.604C>T (p.Arg202Trp)

Gene: COL6A2 (collagen type VI alpha 2 chain; plus strand). Cytogenetic location: 21q22.3.
Variant type: single nucleotide variant.
Coding change: c.604C>T on transcript NM_001849.4 (MANE Select); coding-DNA position 604, C replaced by T.
Protein change: p.Arg202Trp; replaces arginine 202 with tryptophan.
Molecular consequence: missense variant.
Genome position (GRCh38, 1-based): chr21:46,112,467, C>T. VCF-style: chr21-46112467-C-T. GRCh37 (hg19) VCF-style: chr21-47532381-C-T.
Other names: c.604C>T, p.Arg202Trp (NM_058174.3, NM_058175.3); short protein forms R202W.
Identifiers: ClinVar variation 1988483 (VCV001988483.6), dbSNP rs924873209, ClinGen allele CA321957348.